The following is an entry in ClinVar:

NC_000006.11:g.(?_35476986)_(35565181_?)dup

Genes: FKBP5 (FKBP prolyl isomerase 5; minus strand), TULP1 (TUB like protein 1; minus strand). Cytogenetic location: 6p21.31.
Variant type: Duplication.
Identifiers: ClinVar variation 1010956 (VCV001010956.1).

ClinVar aggregate classification (germline): Uncertain significance (1 of 4 stars; one submission).

Submission:

Labcorp Genetics (formerly Invitae), Labcorp
Classification: Uncertain significance. Last evaluated: 2020-10-08. Review status: criteria provided, single submitter. Criteria: Invitae Variant Classification Sherloc (09022015). Collection method: clinical testing. Allele origin: germline.
Comment: This variant results in a copy number gain of the genomic region encompassing exons 1-8 of the TULP1 gene, which includes the initiator codon. The 5' end of this event is unknown as it extends beyond the assayed region for this gene and therefore may encompass additional genes. The 3' boundary is likely confined to intron 8 of the TULP1 gene. As the precise location of this event is unknown, it may be in tandem or it may be located elsewhere in the genome. This variant has not been reported in the literature in individuals with TULP1-related conditions. Experimental studies and prediction algorithms are not available or were not evaluated, and the functional significance of this variant is currently unknown. In summary, the available evidence is currently insufficient to determine the role of this variant in disease. Therefore, it has been classified as a Variant of Uncertain Significance.